The following is an entry in ClinVar:

ClinVar aggregate classification (germline): Uncertain significance. Review status: criteria provided, multiple submitters, no conflicts (2 of 4 stars). 2 submissions from 2 submitters: Uncertain significance (2). Last evaluated 2023-09-29.

Conditions:
Cystic fibrosis (CF). Also called: MUCOVISCIDOSIS. Identifiers: Orphanet 586, MedGen C0010674, MONDO:0009061, OMIM 219700. Disease mechanism: loss of function.

Allele frequency attached by ClinVar (database versions not stated): gnomAD 0.00001; TOPMed below 0.00001; gnomAD exomes below 0.00001.
gnomAD v4.1: 7 of 1,613,484 alleles (0.00043%); highest among the groups gnomAD compares: Non-Finnish European, 0.00059%; no homozygotes.

Submissions (2):

Mayo Clinic Laboratories, Mayo Clinic
Classification: Uncertain significance. Last evaluated: 2023-09-29. Review status: criteria provided, single submitter. Criteria: ACMG Guidelines, 2015. Collection method: clinical testing. Allele origin: germline. Observed: 1 variant allele.
Comment: PM2_moderate

Ambry Genetics
Classification: Uncertain significance for Cystic fibrosis. Last evaluated: 2021-01-13. Review status: criteria provided, single submitter. Criteria: Ambry Variant Classification Scheme 2023. Collection method: clinical testing. Allele origin: germline.
Comment: The p.P1072H variant (also known as c.3215C>A), located in coding exon 20 of the CFTR gene, results from a C to A substitution at nucleotide position 3215. The proline at codon 1072 is replaced by histidine, an amino acid with similar properties. This amino acid position is not well conserved in available vertebrate species. In addition, the in silico prediction for this alteration is inconclusive. Since supporting evidence is limited at this time, the clinical significance of this alteration remains unclear.

NM_000492.4(CFTR):c.3215C>A (p.Pro1072His)

Genes: CFTR (CF transmembrane conductance regulator; plus strand), CFTR-AS2 (CFTR antisense RNA 2; minus strand), LOC111674472 (DNase I hypersensitive sites in introns 16 and 17a of CFTR; plus strand). Cytogenetic location: 7q31.2.
Variant type: single nucleotide variant.
Coding change: c.3215C>A on transcript NM_000492.4 (MANE Select); coding-DNA position 3215, C replaced by A.
Protein change: p.Pro1072His; replaces proline 1072 with histidine.
Molecular consequence: missense variant.
Genome position (GRCh38, 1-based): chr7:117,611,656, C>A. VCF-style: chr7-117611656-C-A. GRCh37 (hg19) VCF-style: chr7-117251710-C-A.
Other names: p.Pro1072His; short protein forms P1072H.
Identifiers: ClinVar variation 1728981 (VCV001728981.3), dbSNP rs1792389191, ClinGen allele CA368992113.
Genomic context (GRCh38, chr7:117,611,656, plus strand): 5'-TCACTCATCTTGTTACAAGCTTAAAAGGACTATGGACACTTCGTGCCTTCGGACGGCAGC[C>A]TTACTTTGAAACTCTGTTCCACAAAGCTCTGAATTTACATACTGCCAACTGGTTCTTGTA-3'
Protein context (NP_000483.3, residues 1062-1082): LWTLRAFGRQ[Pro1072His]YFETLFHKAL